The following is an entry in ClinVar:

ClinVar aggregate classification (germline): Uncertain significance. Review status: criteria provided, multiple submitters, no conflicts (2 of 4 stars). 3 submissions from 3 submitters: Uncertain significance (3). Last evaluated 2024-08-20.

Conditions:
Inborn genetic diseases. Identifiers: MedGen C0950123, MeSH D030342.

Allele frequency attached by ClinVar (database versions not stated): gnomAD exomes below 0.00001 and 0.00001; TOPMed 0.00003.
gnomAD v4.1: 3 of 1,210,501 alleles (0.00025%); highest among the groups gnomAD compares: Admixed American, 0.0044%; no homozygotes.

Submissions (3):

Ambry Genetics
Classification: Uncertain significance for Inborn genetic diseases. Last evaluated: 2024-08-20. Review status: criteria provided, single submitter. Criteria: Ambry Variant Classification Scheme 2023. Collection method: clinical testing. Allele origin: germline.

Labcorp Genetics (formerly Invitae), Labcorp
Classification: Uncertain significance. Last evaluated: 2024-07-29. Review status: criteria provided, single submitter. Criteria: Invitae Variant Classification Sherloc (09022015). Collection method: clinical testing. Allele origin: germline.
Comment: This sequence change replaces tyrosine, which is neutral and polar, with cysteine, which is neutral and slightly polar, at codon 1844 of the TAF1 protein (p.Tyr1844Cys). This variant is present in population databases (no rsID available, gnomAD 0.004%). This variant has not been reported in the literature in individuals affected with TAF1-related conditions. ClinVar contains an entry for this variant (Variation ID: 373522). An algorithm developed to predict the effect of missense changes on protein structure and function (PolyPhen-2) suggests that this variant is likely to be disruptive. In summary, the available evidence is currently insufficient to determine the role of this variant in disease. Therefore, it has been classified as a Variant of Uncertain Significance.

GeneDx
Classification: Uncertain significance. Last evaluated: 2016-12-13. Review status: criteria provided, single submitter. Criteria: GeneDx Variant Classification (06012015). Collection method: clinical testing. Allele origin: germline. Affected: yes.
Comment: The Y1844C variant in the TAF1 gene has not been reported previously as a pathogenic variant, nor as a benign variant, to our knowledge. This variant was not observed in approximately 6500 individuals of European and African American ancestry in the NHLBI Exome Sequencing Project, indicating it is not a common benign variant in these populations. The Y1844C variant is a non-conservative amino acid substitution, which is likely to impact secondary protein structure as these residues differ in polarity, charge, size and/or other properties. This substitution occurs at a position that is conserved across species. In silico analysis is inconsistent in its predictions as to whether or not the variant is damaging to the protein structure/function. We interpret Y1844C as a variant of uncertain significance.

NM_004606.5(TAF1):c.5471A>G (p.Tyr1824Cys)

Gene: TAF1 (TATA-box binding protein associated factor 1; plus strand). Cytogenetic location: Xq13.1.
Variant type: single nucleotide variant.
Coding change: c.5471A>G on transcript NM_004606.5 (MANE Select); coding-DNA position 5471, A replaced by G.
Protein change: p.Tyr1824Cys; replaces tyrosine 1824 with cysteine.
Molecular consequence: missense variant.
Genome position (GRCh38, 1-based): chrX:71,463,895, A>G. VCF-style: chrX-71463895-A-G. GRCh37 (hg19) VCF-style: chrX-70683745-A-G.
Other names: c.5477A>G, p.Tyr1826Cys (NM_001286074.2); c.5408A>G, p.Tyr1803Cys (NM_138923.4); short protein forms Y1803C, Y1824C, Y1826C.
Identifiers: ClinVar variation 373522 (VCV000373522.4), dbSNP rs926447817, ClinGen allele CA16043309.